The following is an entry in ClinVar:

NM_025099.6(CTC1):c.3638T>C (p.Leu1213Pro)

Gene: CTC1 (CST telomere replication complex component 1; minus strand). Cytogenetic location: 17p13.1.
Variant type: single nucleotide variant.
Coding change: c.3638T>C on transcript NM_025099.6 (MANE Select); coding-DNA position 3638, T replaced by C.
Protein change: p.Leu1213Pro; replaces leucine 1213 with proline.
Molecular consequence: missense variant. On other transcripts: non-coding transcript variant (1).
Genome position (GRCh38, 1-based): chr17:8,228,196, A>G on the plus strand (T>C on the coding strand, the complement: CTC1 is on the minus strand). VCF-style: chr17-8228196-A-G. GRCh37 (hg19) VCF-style: chr17-8131514-A-G.
Other names: c.3638T>C (NM_025099.5); c.3407T>C, p.Leu1136Pro (NM_001411067.1); short protein forms L1213P, L1136P.
Identifiers: ClinVar variation 2057382 (VCV002057382.5), dbSNP rs2507857917, ClinGen allele CA397967509.

ClinVar aggregate classification (germline): Uncertain significance. Review status: criteria provided, multiple submitters, no conflicts (2 of 4 stars). 2 submissions from 2 submitters: Uncertain significance (2). Last evaluated 2023-12-13.

Conditions:
Inborn genetic diseases. Identifiers: MedGen C0950123, MeSH D030342.
Dyskeratosis congenita. Identifiers: Orphanet 1775, MedGen C0265965, MONDO:0015780.

Allele frequency attached by ClinVar (database versions not stated): gnomAD exomes below 0.00001.
gnomAD v4.1: 1 of 1,613,984 alleles (0.000062%); highest among the groups gnomAD compares: Non-Finnish European, 0.000085%; no homozygotes.

Submissions (2):

Ambry Genetics
Classification: Uncertain significance for Inborn genetic diseases. Last evaluated: 2023-12-13. Review status: criteria provided, single submitter. Criteria: Ambry Variant Classification Scheme 2023. Collection method: clinical testing. Allele origin: germline.

Labcorp Genetics (formerly Invitae), Labcorp
Classification: Uncertain significance for Dyskeratosis congenita. Last evaluated: 2023-03-31. Review status: criteria provided, single submitter. Criteria: Invitae Variant Classification Sherloc (09022015). Collection method: clinical testing. Allele origin: germline.
Comment: This sequence change replaces leucine, which is neutral and non-polar, with proline, which is neutral and non-polar, at codon 1213 of the CTC1 protein (p.Leu1213Pro). This variant is not present in population databases (gnomAD no frequency). This variant has not been reported in the literature in individuals affected with CTC1-related conditions. ClinVar contains an entry for this variant (Variation ID: 2057382). An algorithm developed to predict the effect of missense changes on protein structure and function (PolyPhen-2) suggests that this variant is likely to be disruptive. In summary, the available evidence is currently insufficient to determine the role of this variant in disease. Therefore, it has been classified as a Variant of Uncertain Significance.